The following is an entry in ClinVar:

ClinVar aggregate classification (germline): Benign/Likely benign. Review status: criteria provided, multiple submitters, no conflicts (2 of 4 stars). 4 submissions from 4 submitters: Benign (3); Likely benign (1). Last evaluated 2026-01-24.

Conditions:
Emery-Dreifuss muscular dystrophy 5, autosomal dominant (EDMD5). Also called: EMERY-DREIFUSS MUSCULAR DYSTROPHY 5. Identifiers: Orphanet 261, MedGen C2751805, MONDO:0013072, OMIM 612999.

Allele frequency attached by ClinVar (database versions not stated): gnomAD exomes 0.00050 and 0.00125; ExAC 0.00147; gnomAD 0.00493 and 0.00523; ESP Exome Variant Server 0.00506; TOPMed 0.00559; 1000 Genomes Project 0.00659; 1000 Genomes Project 30x 0.00718.

Submissions (4):

Labcorp Genetics (formerly Invitae), Labcorp
Classification: Benign for Emery-Dreifuss muscular dystrophy 5, autosomal dominant. Last evaluated: 2026-01-24. Review status: criteria provided, single submitter. Criteria: Invitae Variant Classification Sherloc (09022015). Collection method: clinical testing. Allele origin: germline.

Blueprint Genetics
Classification: Likely benign. Last evaluated: 2024-10-24. Review status: criteria provided, single submitter. Criteria: ACMG Guidelines, 2015. Collection method: clinical testing. Allele origin: germline.

Illumina Laboratory Services, Illumina
Classification: Benign for Emery-Dreifuss muscular dystrophy 5, autosomal dominant. Last evaluated: 2018-01-13. Review status: criteria provided, single submitter. Criteria: ICSL Variant Classification Criteria 13 December 2019. Collection method: clinical testing. Allele origin: germline.
Comment: This variant was observed in the ICSL laboratory as part of a predisposition screen in an ostensibly healthy population. It had not been previously curated by ICSL or reported in the Human Gene Mutation Database (HGMD: prior to June 1st, 2018), and was therefore a candidate for classification through an automated scoring system. Utilizing variant allele frequency, disease prevalence and penetrance estimates, and inheritance mode, an automated score was calculated to assess if this variant is too frequent to cause the disease. Based on the score and internal cut-off values, a variant classified as benign is not then subjected to further curation. The score for this variant resulted in a classification of benign for this disease.

Breakthrough Genomics
Classification: Benign. Review status: criteria provided, single submitter. Criteria: ACMG Guidelines, 2015. Collection method: not provided. Allele origin: germline. Inheritance: Autosomal dominant inheritance. Affected: yes.

NM_182914.3(SYNE2):c.5156T>C (p.Met1719Thr)

Gene: SYNE2 (spectrin repeat containing nuclear envelope protein 2; plus strand). Cytogenetic location: 14q23.2.
Variant type: single nucleotide variant.
Coding change: c.5156T>C on transcript NM_182914.3 (MANE Select); coding-DNA position 5156, T replaced by C.
Protein change: p.Met1719Thr; replaces methionine 1719 with threonine.
Molecular consequence: missense variant.
Genome position (GRCh38, 1-based): chr14:64,021,319, T>C. VCF-style: chr14-64021319-T-C. GRCh37 (hg19) VCF-style: chr14-64488037-T-C.
Other names: c.5156T>C, p.Met1719Thr (NM_015180.6); short protein forms M1719T.
Identifiers: ClinVar variation 313512 (VCV000313512.17), dbSNP rs73277546, ClinGen allele CA7220414.